The following is an entry in ClinVar:

NM_015215.4(CAMTA1):c.902C>T (p.Ser301Leu)

Gene: CAMTA1 (calmodulin binding transcription activator 1; plus strand). Cytogenetic location: 1p36.23.
Variant type: single nucleotide variant.
Coding change: c.902C>T on transcript NM_015215.4 (MANE Select); coding-DNA position 902, C replaced by T.
Protein change: p.Ser301Leu; replaces serine 301 with leucine.
Molecular consequence: missense variant.
Genome position (GRCh38, 1-based): chr1:7,663,449, C>T. VCF-style: chr1-7663449-C-T. GRCh37 (hg19) VCF-style: chr1-7723509-C-T.
Other names: c.812C>T, p.Ser271Leu (NM_001349608.2, NM_001349612.2); c.902C>T, p.Ser301Leu (NM_001349609.2, NM_001349610.2, NM_001410737.1); c.830C>T, p.Ser277Leu (NM_001410738.1); short protein forms S277L, S271L, S301L.
Identifiers: ClinVar variation 3710242 (VCV003710242.2).
Genomic context (GRCh38, chr1:7,663,449, plus strand): 5'-CCAAACACCGCATCATCTCGCCCAAGGTGGAGCCACGGACAGGGGGGTACGGGAGCCACT[C>T]GGAGGTGCAGCACAATGACGTGTCGGAGGGCAAGCACGAGCACAGCCACAGCAAGGGCTC-3'
Protein context (NP_056030.1, residues 291-311): EPRTGGYGSH[Ser301Leu]EVQHNDVSEG

ClinVar aggregate classification (germline): Uncertain significance (1 of 4 stars; one submission).

gnomAD v4.1: 10 of 1,583,928 alleles (0.00063%); highest among the groups gnomAD compares: South Asian, 0.0046%; no homozygotes.

Submission:

Labcorp Genetics (formerly Invitae), Labcorp
Classification: Uncertain significance. Last evaluated: 2025-01-14. Review status: criteria provided, single submitter. Criteria: Invitae Variant Classification Sherloc (09022015). Collection method: clinical testing. Allele origin: germline.
Comment: This sequence change replaces serine, which is neutral and polar, with leucine, which is neutral and non-polar, at codon 301 of the CAMTA1 protein (p.Ser301Leu). The frequency data for this variant in the population databases is considered unreliable, as metrics indicate poor data quality at this position in the gnomAD database. This variant has not been reported in the literature in individuals affected with CAMTA1-related conditions. Invitae Evidence Modeling of protein sequence and biophysical properties (such as structural, functional, and spatial information, amino acid conservation, physicochemical variation, residue mobility, and thermodynamic stability) indicates that this missense variant is not expected to disrupt CAMTA1 protein function with a negative predictive value of 80%. In summary, the available evidence is currently insufficient to determine the role of this variant in disease. Therefore, it has been classified as a Variant of Uncertain Significance.